The following is an entry in ClinVar:

NM_000542.5(SFTPB):c.1139A>T (p.Asp380Val)

Gene: SFTPB (surfactant protein B; minus strand). Cytogenetic location: 2p11.2.
Variant type: single nucleotide variant.
Coding change: c.1139A>T on transcript NM_000542.5 (MANE Select); coding-DNA position 1139, A replaced by T.
Protein change: p.Asp380Val; replaces aspartic acid 380 with valine.
Molecular consequence: missense variant. On other transcripts: intron variant (1).
Genome position (GRCh38, 1-based): chr2:85,661,480, T>A on the plus strand (A>T on the coding strand, the complement: SFTPB is on the minus strand). VCF-style: chr2-85661480-T-A. GRCh37 (hg19) VCF-style: chr2-85888603-T-A.
Other names: c.1139A>T, p.Asp380Val (NM_198843.4); c.1002+1866A>T (NM_001367281.1); short protein forms D380V.
Identifiers: ClinVar variation 1740500 (VCV001740500.2), dbSNP rs2466655634, ClinGen allele CA347485312.

ClinVar aggregate classification (germline): Uncertain significance (1 of 4 stars; one submission).

Conditions:
Hereditary pulmonary alveolar proteinosis. Also called: Pulmonary surfactant metabolism dysfunction. Identifiers: Orphanet 264675, MedGen C3711368, MONDO:0012580.

Submission:

Ambry Genetics
Classification: Uncertain significance for Hereditary pulmonary alveolar proteinosis. Last evaluated: 2018-09-19. Review status: criteria provided, single submitter. Criteria: Ambry Variant Classification Scheme 2023. Collection method: clinical testing. Allele origin: germline.
Comment: The p.D392V variant (also known as c.1175A>T), located in coding exon 10 of the SFTPB gene, results from an A to T substitution at nucleotide position 1175. The aspartic acid at codon 392 is replaced by valine, an amino acid with highly dissimilar properties. This amino acid position is poorly conserved in available vertebrate species. In addition, this alteration is predicted to be tolerated by in silico analysis. Since supporting evidence is limited at this time, the clinical significance of this alteration remains unclear.